The following is an entry in ClinVar:

NM_016169.4(SUFU):c.1013_1016dup (p.Ala340fs)

Gene: SUFU (SUFU negative regulator of hedgehog signaling; plus strand). Cytogenetic location: 10q24.32.
Variant type: Duplication.
Coding change: c.1013_1016dup on transcript NM_016169.4 (MANE Select); coding-DNA positions 1013 to 1016, 4 bases duplicated (ACCG; older notation c.1013_1016dupACCG).
Protein change: p.Ala340fs; shifts the reading frame from alanine 340.
Molecular consequence: frameshift variant.
Genome position (GRCh38, 1-based): chr10:102,599,535-102,599,538, ACCG duplicated; duplicating any 4 consecutive bases within chr10:102,599,533-102,599,538 gives the same sequence; the c. name uses the placement nearest the transcript's 3' end. VCF-style (leftmost placement, unchanged base first): chr10-102599532-A-ACGAC. GRCh37 (hg19) VCF-style: chr10-104359289-A-ACGAC.
Other names: c.1013_1016dup, p.Ala340fs (NM_001178133.2); short protein forms A340fs.
Identifiers: ClinVar variation 3757613 (VCV003757613.2).
Genomic context (GRCh38, chr10:102,599,532, plus strand): 5'-AGATCAACAGCAAACCTGTCCTTCCACCAATCAACCCTCAGCGGCAGAATGGCCTCGCCC[A>ACGAC]CGACCGGGCCCCGTAAGTTCCCCAGTGTCCCTGGGCTGGAACAAGAGGACGACTTTTTTC-3'

ClinVar aggregate classification (germline): Pathogenic (1 of 4 stars; one submission).

Conditions:
Gorlin syndrome. Also called: Nevoid Basal Cell Carcinoma Syndrome; Basal cell nevus syndrome. Identifiers: Orphanet 377, MedGen C0004779, MONDO:0007187.
Medulloblastoma (MDB). Also called: Medulloblastoma, somatic; MEDULLOBLASTOMA PREDISPOSITION SYNDROME. Identifiers: Orphanet 616, MedGen C0025149, MeSH D008527, MONDO:0007959, OMIM 155255, HP:0002885.

Submission:

Labcorp Genetics (formerly Invitae), Labcorp
Classification: Pathogenic for Gorlin syndrome; Medulloblastoma. Last evaluated: 2024-08-11. Review status: criteria provided, single submitter. Criteria: Invitae Variant Classification Sherloc (09022015). Collection method: clinical testing. Allele origin: germline.
Comment: This sequence change creates a premature translational stop signal (p.Ala340Profs*12) in the SUFU gene. It is expected to result in an absent or disrupted protein product. Loss-of-function variants in SUFU are known to be pathogenic (PMID: 22508808, 25403219, 33024317). This variant is not present in population databases (gnomAD no frequency). This variant has not been reported in the literature in individuals affected with SUFU-related conditions. For these reasons, this variant has been classified as Pathogenic.

Literature cited by the submitters: PubMed 22508808; PubMed 25403219; PubMed 33024317.